The following is an entry in ClinVar:

NM_004329.3(BMPR1A):c.364A>T (p.Ile122Leu)

Gene: BMPR1A (bone morphogenetic protein receptor type 1A; plus strand). Cytogenetic location: 10q23.2.
Variant type: single nucleotide variant.
Coding change: c.364A>T on transcript NM_004329.3 (MANE Select); coding-DNA position 364, A replaced by T.
Protein change: p.Ile122Leu; replaces isoleucine 122 with leucine.
Molecular consequence: missense variant.
Genome position (GRCh38, 1-based): chr10:86,899,824, A>T. VCF-style: chr10-86899824-A-T. GRCh37 (hg19) VCF-style: chr10-88659581-A-T.
Other names: c.364A>T, p.Ile122Leu (NM_001406559.1, NM_001406562.1, NM_001406560.1 and 22 more transcripts); c.280A>T, p.Ile94Leu (NM_001406584.1, NM_001406585.1, NM_001406586.1 and 2 more transcripts); short protein forms I94L, I122L.
Identifiers: ClinVar variation 1733582 (VCV001733582.2), dbSNP rs1310807915, ClinGen allele CA377449396.

ClinVar aggregate classification (germline): Uncertain significance (1 of 4 stars; one submission).

Conditions:
Hereditary cancer-predisposing syndrome. Also called: Neoplastic Syndromes, Hereditary; Tumor predisposition; Hereditary Cancer Syndrome; Hereditary neoplastic syndrome. Identifiers: Orphanet 140162, MedGen C0027672, MeSH D009386, MONDO:0015356.

Allele frequency attached by ClinVar (database versions not stated): gnomAD exomes below 0.00001.
gnomAD v4.1: 1 of 1,614,176 alleles (0.000062%); highest among the groups gnomAD compares: Non-Finnish European, 0.000085%; no homozygotes.

Submission:

Ambry Genetics
Classification: Uncertain significance for Hereditary cancer-predisposing syndrome. Last evaluated: 2017-10-11. Review status: criteria provided, single submitter. Criteria: Ambry Variant Classification Scheme 2023. Collection method: clinical testing. Allele origin: germline.
Comment: The p.I122L variant (also known as c.364A>T), located in coding exon 4 of the BMPR1A gene, results from an A to T substitution at nucleotide position 364. The isoleucine at codon 122 is replaced by leucine, an amino acid with highly similar properties. This amino acid position is highly conserved in available vertebrate species. In addition, this alteration is predicted to be deleterious by in silico analysis. Since supporting evidence is limited at this time, the clinical significance of this alteration remains unclear.